The following is an entry in ClinVar:

ClinVar aggregate classification (germline): Likely benign (1 of 4 stars; one submission).

gnomAD v4.1: 10 of 1,607,516 alleles (0.00062%); highest among the groups gnomAD compares: South Asian, 0.0011%; no homozygotes.

Submission:

GeneDx
Classification: Likely benign. Last evaluated: 2016-06-28. Review status: criteria provided, single submitter. Criteria: GeneDx Variant Classification (06012015). Collection method: clinical testing. Allele origin: germline. Affected: yes.
Comment: This variant is considered likely benign or benign based on one or more of the following criteria: it is a conservative change, it occurs at a poorly conserved position in the protein, it is predicted to be benign by multiple in silico algorithms, and/or has population frequency not consistent with disease.

NM_000179.3(MSH6):c.-45A>G

Genes: MSH6 (mutS homolog 6; plus strand), LOC129933706 (ATAC-STARR-seq lymphoblastoid silent region 11467; plus strand). Cytogenetic location: 2p16.3.
Variant type: single nucleotide variant.
Coding change: c.-45A>G on transcript NM_000179.3 (MANE Select); 45 bases upstream of the start codon, A replaced by G.
Molecular consequence: 5 prime UTR variant.
Genome position (GRCh38, 1-based): chr2:47,783,189, A>G. VCF-style: chr2-47783189-A-G. GRCh37 (hg19) VCF-style: chr2-48010328-A-G.
Other names: c.-781A>G (NM_001281493.2); c.-45A>G (NM_001281492.2).
Identifiers: ClinVar variation 378158 (VCV000378158.1), dbSNP rs1057520317, ClinGen allele CA16604556.